The following is an entry in ClinVar:

ClinVar aggregate classification (germline): Conflicting classifications of pathogenicity. Review status: criteria provided, conflicting classifications (1 of 4 stars). 4 submissions from 4 submitters: Uncertain significance (1); Likely benign (3). Last evaluated 2026-01-16.

Conditions:
Cystic leukoencephalopathy without megalencephaly. Identifiers: Orphanet 85136, MedGen C2751843, MONDO:0013058, OMIM 612951.

Allele frequency attached by ClinVar (database versions not stated): gnomAD exomes 0.00012 and 0.00019; ESP Exome Variant Server 0.00015; TOPMed 0.00037; gnomAD 0.00042 and 0.00043; ExAC 0.00051; 1000 Genomes Project 0.00060; 1000 Genomes Project 30x 0.00062.
gnomAD v4.1: 258 of 1,560,364 alleles (0.017%); highest among the groups gnomAD compares: African/African-American, 0.092%; 1 homozygote.

Submissions (4):

Labcorp Genetics (formerly Invitae), Labcorp
Classification: Likely benign. Last evaluated: 2026-01-16. Review status: criteria provided, single submitter. Criteria: Invitae Variant Classification Sherloc (09022015). Collection method: clinical testing. Allele origin: germline.

Blueprint Genetics
Classification: Likely benign. Last evaluated: 2024-11-05. Review status: criteria provided, single submitter. Criteria: ACMG Guidelines, 2015. Collection method: clinical testing. Allele origin: germline.

CeGaT Center for Human Genetics Tuebingen
Classification: Likely benign. Last evaluated: 2022-04-01. Review status: criteria provided, single submitter. Criteria: CeGaT Center For Human Genetics Tuebingen Variant Classification Criteria Version 2. Collection method: clinical testing. Allele origin: germline. Affected: yes. Observed: 1 variant allele.
Comment: RNASET2: BP4, BP7

Illumina Laboratory Services, Illumina
Classification: Uncertain significance for Cystic leukoencephalopathy without megalencephaly. Last evaluated: 2018-01-12. Review status: criteria provided, single submitter. Criteria: ICSL Variant Classification Criteria 13 December 2019. Collection method: clinical testing. Allele origin: germline.

NM_003730.6(RNASET2):c.207C>T (p.Pro69=)

Gene: RNASET2 (ribonuclease T2; minus strand). Cytogenetic location: 6q27.
Variant type: single nucleotide variant.
Coding change: c.207C>T on transcript NM_003730.6 (MANE Select); coding-DNA position 207, C replaced by T.
Protein change: p.Pro69=; no amino-acid change (proline 69 retained).
Molecular consequence: synonymous variant.
Genome position (GRCh38, 1-based): chr6:166,946,736, G>A on the plus strand (C>T on the coding strand, the complement: RNASET2 is on the minus strand). VCF-style: chr6-166946736-G-A. GRCh37 (hg19) VCF-style: chr6-167360224-G-A.
Identifiers: ClinVar variation 779708 (VCV000779708.38), dbSNP rs184572250, ClinGen allele CA4095110.